The following is an entry in ClinVar:

NM_001291303.3(FAT4):c.8836G>A (p.Val2946Met)

Gene: FAT4 (FAT atypical cadherin 4; plus strand). Cytogenetic location: 4q28.1.
Variant type: single nucleotide variant.
Coding change: c.8836G>A on transcript NM_001291303.3 (MANE Select); coding-DNA position 8836, G replaced by A.
Protein change: p.Val2946Met; replaces valine 2946 with methionine.
Molecular consequence: missense variant.
Genome position (GRCh38, 1-based): chr4:125,449,846, G>A. VCF-style: chr4-125449846-G-A. GRCh37 (hg19) VCF-style: chr4-126371001-G-A.
Other names: c.8836G>A, p.Val2946Met (NM_001291285.3); c.8830G>A, p.Val2944Met (NM_024582.6); short protein forms V2944M, V2946M.
Identifiers: ClinVar variation 2062911 (VCV002062911.4), dbSNP rs2530899295, ClinGen allele CA358147887.

ClinVar aggregate classification (germline): Uncertain significance (1 of 4 stars; one submission).

Submission:

Labcorp Genetics (formerly Invitae), Labcorp
Classification: Uncertain significance. Last evaluated: 2021-12-27. Review status: criteria provided, single submitter. Criteria: Invitae Variant Classification Sherloc (09022015). Collection method: clinical testing. Allele origin: germline.
Comment: In summary, the available evidence is currently insufficient to determine the role of this variant in disease. Therefore, it has been classified as a Variant of Uncertain Significance. Advanced modeling of protein sequence and biophysical properties (such as structural, functional, and spatial information, amino acid conservation, physicochemical variation, residue mobility, and thermodynamic stability) performed at Invitae indicates that this missense variant is not expected to disrupt FAT4 protein function. This variant has not been reported in the literature in individuals affected with FAT4-related conditions. This variant is not present in population databases (gnomAD no frequency). This sequence change replaces valine, which is neutral and non-polar, with methionine, which is neutral and non-polar, at codon 2944 of the FAT4 protein (p.Val2944Met).